The following is an entry in ClinVar:

ClinVar aggregate classification (germline): Benign/Likely benign. Review status: criteria provided, multiple submitters, no conflicts (2 of 4 stars). 4 submissions from 4 submitters: Benign (1); Likely benign (3). Last evaluated 2026-03-01.

Conditions:
Diaphanospondylodysostosis. Also called: VERTEBRAL OSSIFICATION, DEFECT IN, WITH NEPHROGENIC RESTS. Identifiers: Orphanet 66637, MedGen C1842691, MONDO:0011946, OMIM 608022.

Allele frequency attached by ClinVar (database versions not stated): 1000 Genomes Project 0.00220; 1000 Genomes Project 30x 0.00234; ESP Exome Variant Server 0.00408; ExAC 0.00415; TOPMed 0.00426; gnomAD 0.00436 and 0.00446; gnomAD exomes 0.00461.
gnomAD v4.1: 9,236 of 1,613,974 alleles (0.57%); highest among the groups gnomAD compares: Middle Eastern, 1%; 50 homozygotes.

Submissions (9):

CeGaT Center for Human Genetics Tuebingen
Classification: Likely benign. Last evaluated: 2026-03-01. Review status: criteria provided, single submitter. Criteria: CeGaT Center For Human Genetics Tuebingen Variant Classification Criteria Version 2. Collection method: clinical testing. Allele origin: germline. Affected: yes. Observed: 4 variant alleles.
Comment: BMPER: BP4, BP7, BS2

Labcorp Genetics (formerly Invitae), Labcorp
Classification: Benign. Last evaluated: 2026-01-28. Review status: criteria provided, single submitter. Criteria: Invitae Variant Classification Sherloc (09022015). Collection method: clinical testing. Allele origin: germline.

Illumina Laboratory Services, Illumina
Classification: Likely benign for Diaphanospondylodysostosis. Last evaluated: 2018-01-13. Review status: criteria provided, single submitter. Criteria: ICSL Variant Classification Criteria 13 December 2019. Collection method: clinical testing. Allele origin: germline.
Comment: This variant was observed in the ICSL laboratory as part of a predisposition screen in an ostensibly healthy population. It had not been previously curated by ICSL or reported in the Human Gene Mutation Database (HGMD: prior to June 1st, 2018), and was therefore a candidate for classification through an automated scoring system. Utilizing variant allele frequency, disease prevalence and penetrance estimates, and inheritance mode, an automated score was calculated to assess if this variant is too frequent to cause the disease. Based on the score and internal cut-off values, a variant classified as likely benign is not then subjected to further curation. The score for this variant resulted in a classification of likely benign for this disease.

Breakthrough Genomics
Classification: Likely benign. Review status: criteria provided, single submitter. Criteria: ACMG Guidelines, 2015. Collection method: not provided. Allele origin: germline. Inheritance: Autosomal recessive inheritance. Affected: yes.

Dr. Peter K. Rogan Lab, Western University
No classification provided (evidence only). Condition: Familial cancer of breast. Review status: no classification provided. Collection method: in vitro. Allele origin: not applicable. Functional consequence: retained intron. Not counted in ClinVar's aggregate classification.

Dr. Peter K. Rogan Lab, Western University
No classification provided (evidence only). Condition: Acute myeloid leukemia. Review status: no classification provided. Collection method: in vitro. Allele origin: not applicable. Functional consequence: retained intron. Not counted in ClinVar's aggregate classification.

Dr. Peter K. Rogan Lab, Western University
No classification provided (evidence only). Condition: Acute myeloid leukemia. Review status: no classification provided. Collection method: in vitro. Allele origin: not applicable. Functional consequence: retained intron. Not counted in ClinVar's aggregate classification.

Dr. Peter K. Rogan Lab, Western University
No classification provided (evidence only). Condition: Colon adenocarcinoma. Review status: no classification provided. Collection method: in vitro. Allele origin: not applicable. Functional consequence: retained intron. Not counted in ClinVar's aggregate classification.

Dr. Peter K. Rogan Lab, Western University
No classification provided (evidence only). Condition: Sarcoma. Review status: no classification provided. Collection method: in vitro. Allele origin: not applicable. Functional consequence: retained intron. Not counted in ClinVar's aggregate classification.

NM_001365308.1(BMPER):c.1797C>T (p.Cys599=)

Gene: BMPER (BMP binding endothelial regulator; plus strand). Cytogenetic location: 7p14.3.
Variant type: single nucleotide variant.
Coding change: c.1797C>T on transcript NM_001365308.1 (MANE Select); coding-DNA position 1797, C replaced by T.
Protein change: p.Cys599=; no amino-acid change (cysteine 599 retained).
Molecular consequence: synonymous variant.
Genome position (GRCh38, 1-based): chr7:34,143,281, C>T. VCF-style: chr7-34143281-C-T. GRCh37 (hg19) VCF-style: chr7-34182893-C-T.
Other names: c.1797C>T, p.Cys599= (NM_133468.5).
Identifiers: ClinVar variation 360115 (VCV000360115.54), dbSNP rs74674953, ClinGen allele CA4215516.